The following is an entry in ClinVar:

NM_004863.4(SPTLC2):c.248T>G (p.Leu83Arg)

Gene: SPTLC2 (serine palmitoyltransferase long chain base subunit 2; minus strand). Cytogenetic location: 14q24.3.
Variant type: single nucleotide variant.
Coding change: c.248T>G on transcript NM_004863.4 (MANE Select); coding-DNA position 248, T replaced by G.
Protein change: p.Leu83Arg; replaces leucine 83 with arginine.
Molecular consequence: missense variant.
Genome position (GRCh38, 1-based): chr14:77,597,265, A>C on the plus strand (T>G on the coding strand, the complement: SPTLC2 is on the minus strand). VCF-style: chr14-77597265-A-C. GRCh37 (hg19) VCF-style: chr14-78063608-A-C.
Other names: short protein forms L83R.
Identifiers: ClinVar variation 864408 (VCV000864408.9), dbSNP rs2079852376, ClinGen allele CA390705462.
Genomic context (GRCh38, chr14:77,597,265, plus strand): 5'-GTTGCATGGTGACACTTTTCAATTCTCCAATACCTCAAGAAATCTCGAAGATATCCAAAG[A>C]GGGTGAGTACGCCATACCCCACATACGTGAGCACAGCAACCAGCATTGGTGTTTCTTCAA-3'
Protein context (NP_004854.1, residues 73-93): LTYVGYGVLT[Leu83Arg]FGYLRDFLRY

ClinVar aggregate classification (germline): Uncertain significance (1 of 4 stars; one submission).

Conditions:
Neuropathy, hereditary sensory and autonomic, type 1C. Also called: HSAN IC; HSN IC. Identifiers: Orphanet 36386, MedGen C3150896, MONDO:0013337, OMIM 613640.

Submission:

Labcorp Genetics (formerly Invitae), Labcorp
Classification: Uncertain significance for Neuropathy, hereditary sensory and autonomic, type 1C. Last evaluated: 2023-07-07. Review status: criteria provided, single submitter. Criteria: Invitae Variant Classification Sherloc (09022015). Collection method: clinical testing. Allele origin: germline.
Comment: In summary, the available evidence is currently insufficient to determine the role of this variant in disease. Therefore, it has been classified as a Variant of Uncertain Significance. An algorithm developed to predict the effect of missense changes on protein structure and function (PolyPhen-2) suggests that this variant is likely to be disruptive. ClinVar contains an entry for this variant (Variation ID: 864408). This missense change has been observed in individual(s) with clinical features of SPTLC2-related conditions (Invitae). It has also been observed to segregate with disease in related individuals. This variant is not present in population databases (gnomAD no frequency). This sequence change replaces leucine, which is neutral and non-polar, with arginine, which is basic and polar, at codon 83 of the SPTLC2 protein (p.Leu83Arg).